The following is an entry in ClinVar:

NM_001384474.1(LOXHD1):c.6074del (p.Gly2025fs)

Gene: LOXHD1 (lipoxygenase homology PLAT domains 1; minus strand). Cytogenetic location: 18q21.1.
Variant type: Deletion.
Coding change: c.6074del on transcript NM_001384474.1 (MANE Select); coding-DNA position 6074, one base deleted (G; older notation c.6074delG).
Protein change: p.Gly2025fs; shifts the reading frame from glycine 2025.
Molecular consequence: frameshift variant.
Genome position (GRCh38, 1-based): chr18:46,485,127, C deleted on the plus strand (G on the coding strand, the reverse complement: LOXHD1 is on the minus strand); the first of 3 consecutive C bases (chr18:46,485,127-46,485,129); deleting any one gives the same sequence. VCF-style (leftmost placement, unchanged base first): chr18-46485126-GC-G. GRCh37 (hg19) VCF-style: chr18-44065089-GC-G.
Other names: c.2741del, p.Gly914fs (NM_001145472.3); c.791del, p.Gly264fs (NM_001145473.3, NM_001173129.2); c.2453del, p.Gly818fs (NM_001308013.2); c.5888del, p.Gly1963fs (NM_144612.7); short protein forms G264fs, G818fs, G914fs, G1963fs, G2025fs.
Identifiers: ClinVar variation 841246 (VCV000841246.12), dbSNP rs1442485603, ClinGen allele CA629505026.

ClinVar aggregate classification (germline): Pathogenic. Review status: criteria provided, multiple submitters, no conflicts (2 of 4 stars). 4 submissions from 4 submitters: Pathogenic (4). Last evaluated 2026-01-22.

Conditions:
Autosomal recessive nonsyndromic hearing loss 77. Identifiers: Orphanet 90636, MedGen C2746083, MONDO:0013119, OMIM 613079.

Submissions (4):

Myriad Genetics, Inc.
Classification: Pathogenic for Autosomal recessive nonsyndromic hearing loss 77. Last evaluated: 2026-01-22. Review status: criteria provided, single submitter. Criteria: Myriad Autosomal Dominant, Autosomal Recessive and X-Linked Classification Criteria (2023). Collection method: clinical testing. Allele origin: unknown.
Comment: NM_144612.6(LOXHD1):c.5888delG(G1963Afs*136) is a frameshift variant classified as pathogenic in the context of nonsyndromic hearing loss, LOXHD1-related. G1963Afs*136 has been observed in cases with relevant disease (PMID: 32149082, 36597107, 35062939). Relevant functional assessments of this variant are not available in the literature. G1963Afs*136 has been observed in referenced population frequency databases. In summary, NM_144612.6(LOXHD1):c.5888delG(G1963Afs*136) is a frameshift variant that has been observed more frequently in cases with the relevant disease than in healthy populations. Please note: this variant was assessed in the context of healthy population screening.

Natera, Inc.
Classification: Pathogenic for Autosomal recessive deafness type 77. Last evaluated: 2025-11-27. Review status: criteria provided, single submitter. Criteria: Natera Variant Classification Schema (03/2026). Collection method: clinical testing. Allele origin: germline.
Comment: The c.5888delG variant in LOXHD1 is a frameshift variant predicted to shift the reading frame beginning at codon 1963 and leads to a stop codon 136 codons downstream. This variant is expected to result in nonsense mediated decay, truncation, or a dysfunctional protein product. This variant is rare in the general population with a frequency below the threshold expected for the associated phenotype(s). This variant has been observed in one or more individuals affected with the associated recessive disease, as either homozygous or compound heterozygous with a second variant (PMID: 32149082). Additionally, this variant has been observed to segregate in affected family members (PMID: 32149082). Given the available evidence, this variant is classified as Pathogenic.

Labcorp Genetics (formerly Invitae), Labcorp
Classification: Pathogenic. Last evaluated: 2024-02-29. Review status: criteria provided, single submitter. Criteria: Invitae Variant Classification Sherloc (09022015). Collection method: clinical testing. Allele origin: germline.
Comment: This sequence change creates a premature translational stop signal (p.Gly1963Alafs*136) in the LOXHD1 gene. While this is not anticipated to result in nonsense mediated decay, it is expected to disrupt the last 249 amino acid(s) of the LOXHD1 protein. This variant is present in population databases (no rsID available, gnomAD 0.02%). This variant has not been reported in the literature in individuals affected with LOXHD1-related conditions. ClinVar contains an entry for this variant (Variation ID: 841246). This variant disrupts a region of the LOXHD1 protein in which other variant(s) (p.Ser2017Profs*82) have been determined to be pathogenic (Invitae). This suggests that this is a clinically significant region of the protein, and that variants that disrupt it are likely to be disease-causing. For these reasons, this variant has been classified as Pathogenic.

Fulgent Genetics
Classification: Pathogenic for Autosomal recessive nonsyndromic hearing loss 77. Last evaluated: 2021-10-16. Review status: criteria provided, single submitter. Criteria: ACMG Guidelines, 2015. Collection method: clinical testing. Allele origin: unknown.

Literature cited by the submitters: PubMed 32149082 (cited by Myriad Genetics, Inc. and Natera, Inc.); PubMed 35062939 (cited by Myriad Genetics, Inc.); PubMed 36597107 (cited by Myriad Genetics, Inc.).